The following is an entry in ClinVar:

NM_006073.4(TRDN):c.2015-2A>G

Gene: TRDN (triadin; minus strand). Cytogenetic location: 6q22.31.
Variant type: single nucleotide variant.
Coding change: c.2015-2A>G on transcript NM_006073.4 (MANE Select); the canonical splice acceptor site of the intron before coding-DNA position 2015, A replaced by G.
Molecular consequence: splice acceptor variant.
Genome position (GRCh38, 1-based): chr6:123,221,524, T>C on the plus strand (A>G on the coding strand, the complement: TRDN is on the minus strand). VCF-style: chr6-123221524-T-C. GRCh37 (hg19) VCF-style: chr6-123542669-T-C.
Identifiers: ClinVar variation 4807432 (VCV004807432.1).

ClinVar aggregate classification (germline): Uncertain significance (1 of 4 stars; one submission).

Conditions:
Catecholaminergic polymorphic ventricular tachycardia 1. Also called: VENTRICULAR TACHYCARDIA, STRESS-INDUCED POLYMORPHIC 1; VENTRICULAR TACHYCARDIA, CATECHOLAMINERGIC POLYMORPHIC, 1, WITH OR WITHOUT ATRIAL DYSFUNCTION AND/OR DILATED CARDIOMYOPATHY; RYR2-Related Catecholaminergic Polymorphic Ventricular Tachycardia. Identifiers: Orphanet 3286, MedGen C1631597, MONDO:0011484, OMIM 604772.

gnomAD v4.1: 1 of 1,562,856 alleles (0.000064%); highest among the groups gnomAD compares: Non-Finnish European, 0.000088%; no homozygotes.

Submission:

Labcorp Genetics (formerly Invitae), Labcorp
Classification: Uncertain significance for Catecholaminergic polymorphic ventricular tachycardia 1. Last evaluated: 2025-03-19. Review status: criteria provided, single submitter. Criteria: Invitae Variant Classification Sherloc (09022015). Collection method: clinical testing. Allele origin: germline.
Comment: This sequence change affects an acceptor splice site in intron 39 of the TRDN gene. It is expected to disrupt RNA splicing. Variants that disrupt the donor or acceptor splice site typically lead to a loss of protein function (PMID: 16199547), however the current clinical and genetic evidence is not sufficient to establish whether loss-of-function variants in TRDN cause disease. This variant is not present in population databases (gnomAD no frequency). This variant has not been reported in the literature in individuals affected with TRDN-related conditions. Algorithms developed to predict the effect of sequence changes on RNA splicing suggest that this variant may disrupt the consensus splice site. In summary, the available evidence is currently insufficient to determine the role of this variant in disease. Therefore, it has been classified as a Variant of Uncertain Significance.

Literature cited by the submitters: PubMed 16199547.